The following is an entry in ClinVar:

ClinVar aggregate classification (germline): Uncertain significance. Review status: criteria provided, multiple submitters, no conflicts (2 of 4 stars). 2 submissions from 2 submitters: Uncertain significance (2). Last evaluated 2025-12-29.

Conditions:
Capillary malformation-arteriovenous malformation syndrome. Also called: Capillary malformation-arteriovenous malformation. Identifiers: Orphanet 137667, MedGen C1842180, MONDO:0012016.

Submissions (2):

Center for Genomic Medicine, Rigshospitalet, Copenhagen University Hospital
Classification: Uncertain significance. Last evaluated: 2025-12-29. Review status: criteria provided, single submitter. Criteria: ACMG Guidelines, 2015. Collection method: clinical testing. Allele origin: germline.

Labcorp Genetics (formerly Invitae), Labcorp
Classification: Uncertain significance for Capillary malformation-arteriovenous malformation syndrome. Last evaluated: 2020-02-20. Review status: criteria provided, single submitter. Criteria: Invitae Variant Classification Sherloc (09022015). Collection method: clinical testing. Allele origin: germline.
Comment: In summary, the available evidence is currently insufficient to determine the role of this variant in disease. Therefore, it has been classified as a Variant of Uncertain Significance. Algorithms developed to predict the effect of missense changes on protein structure and function are either unavailable or do not agree on the potential impact of this missense change (SIFT: "Deleterious"; PolyPhen-2: "Probably Damaging"; Align-GVGD: "Class C0"). This variant has not been reported in the literature in individuals with RASA1-related conditions. This variant is not present in population databases (ExAC no frequency). This sequence change replaces glycine with arginine at codon 82 of the RASA1 protein (p.Gly82Arg). The glycine residue is moderately conserved and there is a moderate physicochemical difference between glycine and arginine.

NM_002890.3(RASA1):c.244G>A (p.Gly82Arg)

Gene: RASA1 (RAS p21 protein activator 1; plus strand). Cytogenetic location: 5q14.3.
Variant type: single nucleotide variant.
Coding change: c.244G>A on transcript NM_002890.3 (MANE Select); coding-DNA position 244, G replaced by A.
Protein change: p.Gly82Arg; replaces glycine 82 with arginine.
Molecular consequence: missense variant.
Genome position (GRCh38, 1-based): chr5:87,268,695, G>A. VCF-style: chr5-87268695-G-A. GRCh37 (hg19) VCF-style: chr5-86564512-G-A.
Other names: short protein forms G82R.
Identifiers: ClinVar variation 1046986 (VCV001046986.11), dbSNP rs767017718, ClinGen allele CA360417044.
Genomic context (GRCh38, chr5:87,268,695, plus strand): 5'-GGTGGCGGAGCCGCTTTGGGGTCAGAGTTCCTAGGAGCCGGGTCTGTGGCAGGGGCACTG[G>A]GGGGAGCTGGACTGACAGGGGGAGGTACTGCTGCTGGCGTAGCTGGTGCTGCTGCTGGCG-3'
Protein context (NP_002881.1, residues 72-92): LGAGSVAGAL[Gly82Arg]GAGLTGGGTA